The following is an entry in ClinVar:

NM_001048174.2(MUTYH):c.415C>G (p.Leu139Val)

Gene: MUTYH (mutY DNA glycosylase; minus strand). Cytogenetic location: 1p34.1.
Variant type: single nucleotide variant.
Coding change: c.415C>G on transcript NM_001048174.2 (MANE Select); coding-DNA position 415, C replaced by G.
Protein change: p.Leu139Val; replaces leucine 139 with valine.
Molecular consequence: missense variant. On other transcripts: non-coding transcript variant (6), intron variant (4).
Genome position (GRCh38, 1-based): chr1:45,332,923, G>C on the plus strand (C>G on the coding strand, the complement: MUTYH is on the minus strand). VCF-style: chr1-45332923-G-C. GRCh37 (hg19) VCF-style: chr1-45798595-G-C.
Other names: c.139C>G, p.Leu47Val (NM_001293196.2, NM_001293192.2, NM_001407091.1); c.70C>G, p.Leu24Val (NM_001350650.2, NM_001350651.2, NM_001407082.1); c.415C>G, p.Leu139Val (NM_001407070.1, NM_001407072.1, NM_001048173.2 and 5 more transcripts); c.418C>G, p.Leu140Val (NM_001407071.1, NM_001407078.1, NM_001048172.2 and 1 more transcripts); c.331C>G, p.Leu111Val (NM_001407075.1); c.448C>G, p.Leu150Val (NM_001407077.1, NM_001293191.2); c.421-89C>G (NM_001407073.1); c.454-89C>G (NM_001407069.1); and 7 more; short protein forms L139V, L140V, L167V, L146V, L150V, L154V, L47V, L153V.
Identifiers: ClinVar variation 4113699 (VCV004113699.1).
Genomic context (GRCh38, chr1:45,332,923, plus strand): 5'-TCACCCGTCAGTCCCTCTATTGTTCCTATTTCCCCTACCCTAGGGTGGCTCTCACCTCCA[G>C]GGAAGCACTGGCCAGGTCCTGCAGTGTAGGCCACTTCTATAGCCACAGGCAGGCAGAAAG-3'
Protein context (NP_001041639.1, residues 129-149): PTLQDLASAS[Leu139Val]EEVNQLWAGL

ClinVar aggregate classification (germline): Uncertain significance (1 of 4 stars; one submission).

Conditions:
Hereditary cancer-predisposing syndrome. Also called: Hereditary neoplastic syndrome; Neoplastic Syndromes, Hereditary; Tumor predisposition; Hereditary Cancer Syndrome. Identifiers: Orphanet 140162, MedGen C0027672, MeSH D009386, MONDO:0015356.

Submission:

Ambry Genetics
Classification: Uncertain significance for Hereditary cancer-predisposing syndrome. Last evaluated: 2025-08-27. Review status: criteria provided, single submitter. Criteria: Ambry Variant Classification Scheme 2023. Collection method: clinical testing. Allele origin: germline.
Comment: The p.L167V variant (also known as c.499C>G), located in coding exon 6 of the MUTYH gene, results from a C to G substitution at nucleotide position 499. The leucine at codon 167 is replaced by valine, an amino acid with highly similar properties. This amino acid position is conserved. In addition, the in silico prediction for this alteration is inconclusive. Based on the available evidence, the clinical significance of this variant remains unclear.